The following is an entry in ClinVar:

ClinVar aggregate classification (germline): Pathogenic/Likely pathogenic. Review status: criteria provided, multiple submitters, no conflicts (2 of 4 stars). 3 submissions from 3 submitters: Pathogenic (2); Likely pathogenic (1). Last evaluated 2026-03-03.

Conditions:
Cardiomyopathy (CMYO). Also called: Cardiomyopathies. Identifiers: Orphanet 167848, MedGen C0878544, MONDO:0004994, HP:0001638. Inheritance: Various modes of inheritance.
Autosomal recessive limb-girdle muscular dystrophy type 2M. Also called: MUSCULAR DYSTROPHY-DYSTROGLYCANOPATHY (LIMB-GIRDLE), TYPE C, 4; MUSCULAR DYSTROPHY, LIMB-GIRDLE, TYPE 2M. Identifiers: Orphanet 206554, MedGen C1969040, MONDO:0012699, OMIM 611588.
Muscular dystrophy-dystroglycanopathy (congenital without impaired intellectual development), type B, 4. Also called: MUSCULAR DYSTROPHY, CONGENITAL, FKTN-RELATED; Muscular dystrophy-dystroglycanopathy (congenital without intellectual disability), type B4. Identifiers: MedGen C2751052, MONDO:0013156, OMIM 613152.
Muscular dystrophy-dystroglycanopathy (congenital with brain and eye anomalies), type A, 4 (MDDGA4). Also called: Congenital muscular dystrophy-dystroglycanopathy with brain and eye anomalies, type A4; WALKER-WARBURG SYNDROME OR MUSCLE-EYE-BRAIN DISEASE, FKTN-RELATED; Muscular dystrophy, congenital progressive, with mental retardation; Muscular dystrophy, congenital, with central nervous system involvement; Cerebromuscular dystrophy, Fukuyama type; Fukuyama congenital muscular dystrophy. Identifiers: Orphanet 272, Orphanet 588, Orphanet 899, MedGen C0410174, MONDO:0009678, OMIM 253800.
Dilated cardiomyopathy 1X (CMD1X). Also called: FKTN-Related Dilated Cardiomyopathy; CARDIOMYOPATHY, DILATED, WITH MILD OR NO PROXIMAL MUSCLE WEAKNESS. Identifiers: Orphanet 154, MedGen C1969024, MONDO:0012704, OMIM 611615.
Walker-Warburg congenital muscular dystrophy. Also called: Muscular dystrophy-dystroglycanopathy, type A; Walker-Warburg syndrome. Identifiers: Orphanet 899, MedGen C0265221, MONDO:0000171.

Submissions (3):

Women's Health and Genetics/Laboratory Corporation of America, LabCorp
Classification: Pathogenic for Cardiomyopathy. Last evaluated: 2026-03-03. Review status: criteria provided, single submitter. Criteria: LabCorp Variant Classification Summary - May 2015. Collection method: clinical testing. Allele origin: germline.
Comment: Variant summary: FKTN c.164G>A (p.Trp55X) results in a premature termination codon, predicted to cause absence of the protein due to nonsense mediated decay, which is a commonly known mechanism for disease. The variant was absent in 251220 control chromosomes (gnomAD). To our knowledge, no occurrence of c.164G>A in individuals affected with FKTN-related conditions and no experimental evidence demonstrating its impact on protein function have been reported. ClinVar contains an entry for this variant (Variation ID: 1970586). Based on the evidence outlined above, the variant was classified as pathogenic.

Fulgent Genetics
Classification: Likely pathogenic for Muscular dystrophy-dystroglycanopathy (congenital with brain and eye anomalies), type A, 4; Autosomal recessive limb-girdle muscular dystrophy type 2M; Dilated cardiomyopathy 1X; Muscular dystrophy-dystroglycanopathy (congenital without impaired intellectual development), type B, 4. Last evaluated: 2024-04-10. Review status: criteria provided, single submitter. Criteria: ACMG Guidelines, 2015. Collection method: clinical testing. Allele origin: germline.

Labcorp Genetics (formerly Invitae), Labcorp
Classification: Pathogenic for Walker-Warburg congenital muscular dystrophy. Last evaluated: 2024-02-14. Review status: criteria provided, single submitter. Criteria: Invitae Variant Classification Sherloc (09022015). Collection method: clinical testing. Allele origin: germline.
Comment: This sequence change creates a premature translational stop signal (p.Trp55*) in the FKTN gene. It is expected to result in an absent or disrupted protein product. Loss-of-function variants in FKTN are known to be pathogenic (PMID: 17044012, 17878207, 18752264). This variant is not present in population databases (gnomAD no frequency). This variant has not been reported in the literature in individuals affected with FKTN-related conditions. ClinVar contains an entry for this variant (Variation ID: 1970586). For these reasons, this variant has been classified as Pathogenic.

Literature cited by the submitters: PubMed 17044012 (cited by Labcorp Genetics (formerly Invitae), Labcorp); PubMed 17878207 (cited by Labcorp Genetics (formerly Invitae), Labcorp); PubMed 18752264 (cited by Labcorp Genetics (formerly Invitae), Labcorp).

NM_001079802.2(FKTN):c.164G>A (p.Trp55Ter)

Gene: FKTN (fukutin; plus strand). Cytogenetic location: 9q31.2.
Variant type: single nucleotide variant.
Coding change: c.164G>A on transcript NM_001079802.2 (MANE Select); coding-DNA position 164, G replaced by A.
Protein change: p.Trp55Ter; replaces tryptophan 55 with a stop codon.
Molecular consequence: nonsense. On other transcripts: 5 prime UTR variant (5), non-coding transcript variant (2).
Genome position (GRCh38, 1-based): chr9:105,596,656, G>A. VCF-style: chr9-105596656-G-A. GRCh37 (hg19) VCF-style: chr9-108358937-G-A.
Other names: c.164G>A, p.Trp55Ter (NM_001198963.2, NM_001351496.2, NM_001351498.2 and 1 more transcripts); c.-4G>A (NM_001351497.2); c.-351G>A (NM_001351499.2, NM_001351500.2, NM_001351501.2 and 1 more transcripts); short protein forms W55*.
Identifiers: ClinVar variation 1970586 (VCV001970586.7), dbSNP rs1826858068, ClinGen allele CA374331145.